The following is an entry in ClinVar:

NM_182914.3(SYNE2):c.478G>A (p.Asp160Asn)

Gene: SYNE2 (spectrin repeat containing nuclear envelope protein 2; plus strand). Cytogenetic location: 14q23.2.
Variant type: single nucleotide variant.
Coding change: c.478G>A on transcript NM_182914.3 (MANE Select); coding-DNA position 478, G replaced by A.
Protein change: p.Asp160Asn; replaces aspartic acid 160 with asparagine.
Molecular consequence: missense variant.
Genome position (GRCh38, 1-based): chr14:63,949,894, G>A. VCF-style: chr14-63949894-G-A. GRCh37 (hg19) VCF-style: chr14-64416612-G-A.
Other names: c.478G>A, p.Asp160Asn (NM_015180.6); short protein forms D160N.
Identifiers: ClinVar variation 581588 (VCV000581588.9), dbSNP rs1566887934, ClinGen allele CA389938977.

ClinVar aggregate classification (germline): Uncertain significance. Review status: criteria provided, multiple submitters, no conflicts (2 of 4 stars). 2 submissions from 2 submitters: Uncertain significance (2). Last evaluated 2024-06-21.

Conditions:
Emery-Dreifuss muscular dystrophy 5, autosomal dominant (EDMD5). Also called: EMERY-DREIFUSS MUSCULAR DYSTROPHY 5. Identifiers: Orphanet 261, MedGen C2751805, MONDO:0013072, OMIM 612999.

Allele frequency attached by ClinVar (database versions not stated): gnomAD 0.00001.
gnomAD v4.1: 1 of 1,613,974 alleles (0.000062%); highest among the groups gnomAD compares: African/African-American, 0.0013%; no homozygotes.

Submissions (2):

Revvity Omics, Revvity
Classification: Uncertain significance for Emery-Dreifuss muscular dystrophy 5, autosomal dominant. Last evaluated: 2024-06-21. Review status: criteria provided, single submitter. Criteria: ACMG Guidelines, 2015. Collection method: clinical testing. Allele origin: germline.

Labcorp Genetics (formerly Invitae), Labcorp
Classification: Uncertain significance for Emery-Dreifuss muscular dystrophy 5, autosomal dominant. Last evaluated: 2018-01-28. Review status: criteria provided, single submitter. Criteria: Invitae Variant Classification Sherloc (09022015). Collection method: clinical testing. Allele origin: germline.
Comment: Algorithms developed to predict the effect of missense changes on protein structure and function (SIFT, PolyPhen-2, Align-GVGD) all suggest that this variant is likely to be tolerated, but these predictions have not been confirmed by published functional studies and their clinical significance is uncertain. In summary, the available evidence is currently insufficient to determine the role of this variant in disease. Therefore, it has been classified as a Variant of Uncertain Significance. This variant has not been reported in the literature in individuals with SYNE2-related disease. This sequence change replaces aspartic acid with asparagine at codon 160 of the SYNE2 protein (p.Asp160Asn). The aspartic acid residue is weakly conserved and there is a small physicochemical difference between aspartic acid and asparagine. This variant is not present in population databases (ExAC no frequency).